The following is an entry in ClinVar:

NM_001128840.3(CACNA1D):c.6076A>C (p.Thr2026Pro)

Gene: CACNA1D (calcium voltage-gated channel subunit alpha1 D; plus strand). Cytogenetic location: 3p21.1.
Variant type: single nucleotide variant.
Coding change: c.6076A>C on transcript NM_001128840.3 (MANE Select); coding-DNA position 6076, A replaced by C.
Protein change: p.Thr2026Pro; replaces threonine 2026 with proline.
Molecular consequence: missense variant.
Genome position (GRCh38, 1-based): chr3:53,810,182, A>C. VCF-style: chr3-53810182-A-C. GRCh37 (hg19) VCF-style: chr3-53844209-A-C.
Other names: c.6136A>C, p.Thr2046Pro (NM_000720.4); c.6004A>C, p.Thr2002Pro (NM_001128839.3); short protein forms T2002P, T2026P, T2046P.
Identifiers: ClinVar variation 1480132 (VCV001480132.6), dbSNP rs145573139, ClinGen allele CA353258419.

ClinVar aggregate classification (germline): Uncertain significance (1 of 4 stars; one submission).

Submission:

Labcorp Genetics (formerly Invitae), Labcorp
Classification: Uncertain significance. Last evaluated: 2025-02-25. Review status: criteria provided, single submitter. Criteria: Invitae Variant Classification Sherloc (09022015). Collection method: clinical testing. Allele origin: germline.
Comment: This sequence change replaces threonine, which is neutral and polar, with proline, which is neutral and non-polar, at codon 2046 of the CACNA1D protein (p.Thr2046Pro). This variant is not present in population databases (gnomAD no frequency). This variant has not been reported in the literature in individuals affected with CACNA1D-related conditions. ClinVar contains an entry for this variant (Variation ID: 1480132). An algorithm developed to predict the effect of missense changes on protein structure and function (PolyPhen-2) suggests that this variant is likely to be disruptive. In summary, the available evidence is currently insufficient to determine the role of this variant in disease. Therefore, it has been classified as a Variant of Uncertain Significance.